The following is an entry in ClinVar:

NM_000128.4(F11):c.1717-7G>A

Genes: F11 (coagulation factor XI; plus strand), F11-AS1 (F11 antisense RNA 1; minus strand). Cytogenetic location: 4q35.2.
Variant type: single nucleotide variant.
Coding change: c.1717-7G>A on transcript NM_000128.4 (MANE Select); 7 bases into the intron before coding-DNA position 1717, G replaced by A.
Molecular consequence: intron variant. On other transcripts: non-coding transcript variant (1).
Genome position (GRCh38, 1-based): chr4:186,288,446, G>A. VCF-style: chr4-186288446-G-A. GRCh37 (hg19) VCF-style: chr4-187209600-G-A.
Identifiers: ClinVar variation 763920 (VCV000763920.11), dbSNP rs778179698, ClinGen allele CA3164104.
Genomic context (GRCh38, chr4:186,288,446, plus strand): 5'-AGATGTGCTGAAGATGGGAAGCGTCTGAGTTGATCTGTGCACCTTTTCTTGTCTCCCCTC[G>A]TTCTAGGGAGATTCGGGAGGCCCTCTGTCCTGCAAACACAATGAGGTCTGGCATCTGGTA-3'

ClinVar aggregate classification (germline): Likely benign. Review status: criteria provided, multiple submitters, no conflicts (2 of 4 stars). 2 submissions from 2 submitters: Likely benign (2). Last evaluated 2026-01-26.

Conditions:
F11-related disorder. Also called: F11-related condition.

Allele frequency attached by ClinVar (database versions not stated): ExAC 0.00004; gnomAD exomes 0.00005; TOPMed 0.00010; gnomAD 0.00013.
gnomAD v4.1: 132 of 1,613,866 alleles (0.0082%); highest among the groups gnomAD compares: Middle Eastern, 0.049%; 1 homozygote.

Submissions (2):

Labcorp Genetics (formerly Invitae), Labcorp
Classification: Likely benign. Last evaluated: 2026-01-26. Review status: criteria provided, single submitter. Criteria: Invitae Variant Classification Sherloc (09022015). Collection method: clinical testing. Allele origin: germline.

PreventionGenetics, part of Exact Sciences
Classification: Likely benign for F11-related condition. Last evaluated: 2024-12-06. Review status: criteria provided, single submitter. Criteria: ACMG Guidelines, 2015. Collection method: clinical testing. Allele origin: germline.
Comment: This variant is classified as likely benign based on ACMG/AMP sequence variant interpretation guidelines (Richards et al. 2015 PMID: 25741868, with internal and published modifications).